The following is an entry in ClinVar:

NM_003024.3(ITSN1):c.2894dup (p.Tyr965Ter)

Gene: ITSN1 (intersectin 1; plus strand). Cytogenetic location: 21q22.11.
Variant type: Duplication.
Coding change: c.2894dup on transcript NM_003024.3 (MANE Select); coding-DNA position 2894, one base duplicated (A; older notation c.2894dupA).
Protein change: p.Tyr965Ter; replaces tyrosine 965 with a stop codon.
Molecular consequence: nonsense.
Genome position (GRCh38, 1-based): chr21:33,818,433, A duplicated. VCF-style (leftmost placement, unchanged base first): chr21-33818432-T-TA. GRCh37 (hg19) VCF-style: chr21-35190736-T-TA.
Other names: c.2894dup, p.Tyr965Ter (NM_001001132.2, NM_001331008.2); c.2879dup, p.Tyr960Ter (NM_001331009.2, NM_001331010.2, NM_001331011.2); c.2768dup, p.Tyr923Ter (NM_001331012.2); c.2894dup (NM_003024.2); c.2894dupA (NM_003024.2); short protein forms Y923*, Y960*, Y965*.
Identifiers: ClinVar variation 1209862 (VCV001209862.4), dbSNP rs2148264796, ClinGen allele CA2499225866.

ClinVar aggregate classification (germline): Conflicting classifications of pathogenicity. Review status: criteria provided, conflicting classifications (1 of 4 stars). 2 submissions from 2 submitters: Pathogenic (1); Uncertain significance (1). Last evaluated 2026-05-12.

Conditions:
Autistic behavior. Identifiers: MedGen C0856975, HP:0000729.

Submissions (2):

GeneDx
Classification: Pathogenic. Last evaluated: 2026-05-12. Review status: criteria provided, single submitter. Criteria: GeneDx Variant Classification Process June 2021. Collection method: clinical testing. Allele origin: germline.
Comment: Reported in an individual with speech delay, speech apraxia, ADHD, gait disturbance and hypotonia in the published literature (PMID: 34707297); Nonsense variant predicted to result in protein truncation or nonsense mediated decay in a gene for which loss of function is a known mechanism of disease; Not observed at significant frequency in large population cohorts (gnomAD); This variant is associated with the following publications: (PMID: 34707297)

Equipe Genetique des Anomalies du Developpement, Université de Bourgogne
Classification: Uncertain significance for Autistic behavior. Last evaluated: 2021-01-01. Review status: criteria provided, single submitter. Criteria: ACMG Guidelines, 2015. Collection method: research. Allele origin: unknown. Affected: yes.